The following is an entry in ClinVar:

NM_001379081.2(FREM1):c.2810G>T (p.Gly937Val)

Genes: FREM1 (FRAS1 related extracellular matrix 1; minus strand), LOC126860582 (P300/CBP strongly-dependent group 1 enhancer GRCh37_chr9:14812530-14813729; plus strand). Cytogenetic location: 9p22.3.
Variant type: single nucleotide variant.
Coding change: c.2810G>T on transcript NM_001379081.2 (MANE Select); coding-DNA position 2810, G replaced by T.
Protein change: p.Gly937Val; replaces glycine 937 with valine.
Molecular consequence: missense variant. On other transcripts: non-coding transcript variant (2).
Genome position (GRCh38, 1-based): chr9:14,812,895, C>A on the plus strand (G>T on the coding strand, the complement: FREM1 is on the minus strand). VCF-style: chr9-14812895-C-A. GRCh37 (hg19) VCF-style: chr9-14812893-C-A.
Other names: c.2810G>T, p.Gly937Val (NM_144966.7); short protein forms G937V.
Identifiers: ClinVar variation 3901413 (VCV003901413.1).

ClinVar aggregate classification (germline): Uncertain significance (1 of 4 stars; one submission).

gnomAD v4.1: 6 of 1,613,704 alleles (0.00037%); highest among the groups gnomAD compares: African/African-American, 0.0067%; no homozygotes.

Submission:

GeneDx
Classification: Uncertain significance. Last evaluated: 2024-12-07. Review status: criteria provided, single submitter. Criteria: GeneDx Variant Classification Process June 2021. Collection method: clinical testing. Allele origin: germline. Affected: yes.
Comment: Not observed at significant frequency in large population cohorts (gnomAD); In silico analysis supports that this missense variant has a deleterious effect on protein structure/function; Has not been previously published as pathogenic or benign to our knowledge